The following is an entry in ClinVar:

ClinVar aggregate classification (germline): Uncertain significance (1 of 4 stars; one submission).

Conditions:
Inborn genetic diseases. Identifiers: MedGen C0950123, MeSH D030342.

Submission:

Ambry Genetics
Classification: Uncertain significance for Inborn genetic diseases. Last evaluated: 2024-01-25. Review status: criteria provided, single submitter. Criteria: Ambry Variant Classification Scheme 2023. Collection method: clinical testing. Allele origin: germline.
Comment: The p.P786S variant (also known as c.2356C>T), located in coding exon 15 of the EPAS1 gene, results from a C to T substitution at nucleotide position 2356. The proline at codon 786 is replaced by serine, an amino acid with similar properties. This amino acid position is conserved. In addition, this alteration is predicted to be tolerated by in silico analysis. Based on the available evidence, the clinical significance of this alteration remains unclear.

NM_001430.5(EPAS1):c.2356C>T (p.Pro786Ser)

Gene: EPAS1 (endothelial PAS domain protein 1; plus strand). Cytogenetic location: 2p21.
Variant type: single nucleotide variant.
Coding change: c.2356C>T on transcript NM_001430.5 (MANE Select); coding-DNA position 2356, C replaced by T.
Protein change: p.Pro786Ser; replaces proline 786 with serine.
Molecular consequence: missense variant.
Genome position (GRCh38, 1-based): chr2:46,382,493, C>T. VCF-style: chr2-46382493-C-T. GRCh37 (hg19) VCF-style: chr2-46609632-C-T.
Other names: short protein forms P786S.
Identifiers: ClinVar variation 3221623 (VCV003221623.1), dbSNP rs2546480831, ClinGen allele CA346706096.